The following is an entry in ClinVar:

NM_005732.4(RAD50):c.497del (p.Pro165_Leu166insTer)

Gene: RAD50 (RAD50 double strand break repair protein; plus strand). Cytogenetic location: 5q31.1.
Variant type: Deletion.
Coding change: c.497del on transcript NM_005732.4 (MANE Select); coding-DNA position 497, one base deleted (T; older notation c.497delT).
Protein change: p.Pro165_Leu166insTer.
Molecular consequence: nonsense.
Genome position (GRCh38, 1-based): chr5:132,579,448, T deleted; the last of 3 consecutive T bases (chr5:132,579,446-132,579,448); deleting any one gives the same sequence. VCF-style (leftmost placement, unchanged base first): chr5-132579445-CT-C. GRCh37 (hg19) VCF-style: chr5-131915137-CT-C.
Identifiers: ClinVar variation 1417176 (VCV001417176.6), dbSNP rs2149837777, ClinGen allele CA2573139076.

ClinVar aggregate classification (germline): Pathogenic (1 of 4 stars; one submission).

Conditions:
Hereditary cancer-predisposing syndrome. Also called: Hereditary Cancer Syndrome; Tumor predisposition; Hereditary neoplastic syndrome; Neoplastic Syndromes, Hereditary. Identifiers: Orphanet 140162, MedGen C0027672, MeSH D009386, MONDO:0015356.

Submission:

Labcorp Genetics (formerly Invitae), Labcorp
Classification: Pathogenic for Hereditary cancer-predisposing syndrome. Last evaluated: 2021-09-29. Review status: criteria provided, single submitter. Criteria: Invitae Variant Classification Sherloc (09022015). Collection method: clinical testing. Allele origin: germline.
Comment: For these reasons, this variant has been classified as Pathogenic. This variant has not been reported in the literature in individuals affected with RAD50-related conditions. This variant is not present in population databases (ExAC no frequency). This sequence change creates a premature translational stop signal (p.Leu166*) in the RAD50 gene. It is expected to result in an absent or disrupted protein product. Loss-of-function variants in RAD50 are known to be pathogenic (PMID: 19409520).

Literature cited by the submitters: PubMed 19409520.